The following is an entry in ClinVar:

ClinVar aggregate classification (germline): Uncertain significance. Review status: criteria provided, multiple submitters, no conflicts (2 of 4 stars). 3 submissions from 3 submitters: Uncertain significance (3). Last evaluated 2025-05-21.

Conditions:
Inborn genetic diseases. Identifiers: MedGen C0950123, MeSH D030342.

Allele frequency attached by ClinVar (database versions not stated): gnomAD exomes 0.00003; gnomAD 0.00004; ExAC 0.00002; TOPMed 0.00006.
gnomAD v4.1: 166 of 1,614,100 alleles (0.01%); highest among the groups gnomAD compares: Non-Finnish European, 0.012%; no homozygotes.

Submissions (3):

GeneDx
Classification: Uncertain significance. Last evaluated: 2025-05-21. Review status: criteria provided, single submitter. Criteria: GeneDx Variant Classification Process June 2021. Collection method: clinical testing. Allele origin: germline. Affected: yes.
Comment: In silico analysis suggests that this missense variant does not alter protein structure/function; Has not been previously published as pathogenic or benign to our knowledge

Ambry Genetics
Classification: Uncertain significance for Inborn genetic diseases. Last evaluated: 2025-03-27. Review status: criteria provided, single submitter. Criteria: Ambry Variant Classification Scheme 2023. Collection method: clinical testing. Allele origin: germline.

Labcorp Genetics (formerly Invitae), Labcorp
Classification: Uncertain significance. Last evaluated: 2022-05-26. Review status: criteria provided, single submitter. Criteria: Invitae Variant Classification Sherloc (09022015). Collection method: clinical testing. Allele origin: germline.
Comment: In summary, the available evidence is currently insufficient to determine the role of this variant in disease. Therefore, it has been classified as a Variant of Uncertain Significance. Algorithms developed to predict the effect of missense changes on protein structure and function output the following: SIFT: "Tolerated"; PolyPhen-2: "Probably Damaging"; Align-GVGD: "Class C0". The histidine amino acid residue is found in multiple mammalian species, which suggests that this missense change does not adversely affect protein function. This variant has not been reported in the literature in individuals affected with DFNA5-related conditions. This variant is present in population databases (rs756768069, gnomAD 0.007%). This sequence change replaces glutamine, which is neutral and polar, with histidine, which is basic and polar, at codon 368 of the DFNA5 protein (p.Gln368His).

NM_001127453.2(GSDME):c.1104G>C (p.Gln368His)

Gene: GSDME (gasdermin E; minus strand). Cytogenetic location: 7p15.3.
Variant type: single nucleotide variant.
Coding change: c.1104G>C on transcript NM_001127453.2 (MANE Select); coding-DNA position 1104, G replaced by C.
Protein change: p.Gln368His; replaces glutamine 368 with histidine.
Molecular consequence: missense variant.
Genome position (GRCh38, 1-based): chr7:24,706,263, C>G on the plus strand (G>C on the coding strand, the complement: GSDME is on the minus strand). VCF-style: chr7-24706263-C-G. GRCh37 (hg19) VCF-style: chr7-24745882-C-G.
Other names: c.612G>C, p.Gln204His (NM_001127454.2); c.1104G>C, p.Gln368His (NM_004403.3); c.1104G>C (NM_004403.2); short protein forms Q204H, Q368H.
Identifiers: ClinVar variation 1680826 (VCV001680826.8), dbSNP rs756768069, ClinGen allele CA4191409.